The following is an entry in ClinVar:

ClinVar aggregate classification (germline): Uncertain significance (1 of 4 stars; one submission).

Conditions:
Familial thoracic aortic aneurysm and aortic dissection (TAAD). Also called: Thoracic aortic aneurysms and dissections. Identifiers: Orphanet 91387, MedGen C4707243, MONDO:0019625.

gnomAD v4.1: 3 of 1,591,230 alleles (0.00019%); highest among the groups gnomAD compares: South Asian, 0.0022%; no homozygotes.

Submission:

Ambry Genetics
Classification: Uncertain significance for Familial thoracic aortic aneurysm and aortic dissection. Last evaluated: 2024-06-12. Review status: criteria provided, single submitter. Criteria: Ambry Variant Classification Scheme 2023. Collection method: clinical testing. Allele origin: germline.
Comment: The p.S579F variant (also known as c.1736C>T), located in coding exon 11 of the NOTCH1 gene, results from a C to T substitution at nucleotide position 1736. The serine at codon 579 is replaced by phenylalanine, an amino acid with highly dissimilar properties. This amino acid position is conserved. In addition, this alteration is predicted to be tolerated by in silico analysis. Based on the available evidence, the clinical significance of this variant remains unclear.

NM_017617.5(NOTCH1):c.1736C>T (p.Ser579Phe)

Gene: NOTCH1 (notch receptor 1; minus strand). Cytogenetic location: 9q34.3.
Variant type: single nucleotide variant.
Coding change: c.1736C>T on transcript NM_017617.5 (MANE Select); coding-DNA position 1736, C replaced by T.
Protein change: p.Ser579Phe; replaces serine 579 with phenylalanine.
Molecular consequence: missense variant.
Genome position (GRCh38, 1-based): chr9:136,515,650, G>A on the plus strand (C>T on the coding strand, the complement: NOTCH1 is on the minus strand). VCF-style: chr9-136515650-G-A. GRCh37 (hg19) VCF-style: chr9-139410102-G-A.
Other names: short protein forms S579F.
Identifiers: ClinVar variation 3300477 (VCV003300477.1).
Genomic context (GRCh38, chr9:136,515,650, plus strand): 5'-TGGTGGCCCGTGTAGCCTGGGCGGCAGAGGCAGGTGAAGGTGGCGACGCCGTCCTTGCAG[G>A]AGCCGTAGTGGCAGGGGTCGGGGTCGCACTCATCGATGTCCACCTCGCAGTGCGTCCCCG-3'
Protein context (NP_060087.3, residues 569-589): ECDPDPCHYG[Ser579Phe]CKDGVATFTC